The following is an entry in ClinVar:

NM_006393.3(NEBL):c.2365T>A (p.Phe789Ile)

Gene: NEBL (nebulette; minus strand). Cytogenetic location: 10p12.31.
Variant type: single nucleotide variant.
Coding change: c.2365T>A on transcript NM_006393.3 (MANE Select); coding-DNA position 2365, T replaced by A.
Protein change: p.Phe789Ile; replaces phenylalanine 789 with isoleucine.
Molecular consequence: missense variant.
Genome position (GRCh38, 1-based): chr10:20,812,922, A>T on the plus strand (T>A on the coding strand, the complement: NEBL is on the minus strand). VCF-style: chr10-20812922-A-T. GRCh37 (hg19) VCF-style: chr10-21101851-A-T.
Other names: c.376T>A, p.Phe126Ile (NM_001173484.2, NM_001377322.1, NM_213569.2); c.328T>A, p.Phe110Ile (NM_001377323.1); c.319T>A, p.Phe107Ile (NM_001377324.1); c.310T>A, p.Phe104Ile (NM_001377325.1); c.268T>A, p.Phe90Ile (NM_001377326.1, NM_001377327.1, NM_001377328.1); short protein forms F126I, F789I, F104I, F107I, F110I, F90I.
Identifiers: ClinVar variation 579281 (VCV000579281.9), dbSNP rs1564345984, ClinGen allele CA376093501.

ClinVar aggregate classification (germline): Uncertain significance (1 of 4 stars; one submission).

Conditions:
Primary dilated cardiomyopathy (DCM). Also called: Dilated Cardiomyopathy. Identifiers: Orphanet 217604, MedGen C0007193, MeSH D002311, MONDO:0005021, HP:0001644. Inheritance: Various modes of inheritance.

Submission:

Labcorp Genetics (formerly Invitae), Labcorp
Classification: Uncertain significance for Primary dilated cardiomyopathy. Last evaluated: 2018-06-08. Review status: criteria provided, single submitter. Criteria: Invitae Variant Classification Sherloc (09022015). Collection method: clinical testing. Allele origin: germline.
Comment: In summary, the available evidence is currently insufficient to determine the role of this variant in disease. Therefore, it has been classified as a Variant of Uncertain Significance. Algorithms developed to predict the effect of missense changes on protein structure and function are either unavailable or do not agree on the potential impact of this missense change (SIFT: "Deleterious"; PolyPhen-2: "Probably Damaging"; Align-GVGD: "Class C0"). This variant has not been reported in the literature in individuals with NEBL-related disease. This variant is not present in population databases (ExAC no frequency). This sequence change replaces phenylalanine with isoleucine at codon 789 of the NEBL protein (p.Phe789Ile). The phenylalanine residue is highly conserved and there is a small physicochemical difference between phenylalanine and isoleucine.